The following is an entry in ClinVar:

ClinVar aggregate classification (germline): Uncertain significance. Review status: criteria provided, multiple submitters, no conflicts (2 of 4 stars). 2 submissions from 2 submitters: Uncertain significance (2). Last evaluated 2024-04-17.

Conditions:
Familial cancer of breast. Also called: BREAST CANCER, FAMILIAL; Hereditary breast cancer; hereditary breast carcinoma. Identifiers: Orphanet 227535, MedGen C0346153, MONDO:0016419, OMIM 114480. Disease mechanism: loss of function.
Fanconi anemia complementation group J. Also called: BRIP1-Related Fanconi Anemia. Identifiers: Orphanet 84, MedGen C1836860, MONDO:0012187, OMIM 609054.
Hereditary cancer-predisposing syndrome. Also called: Hereditary neoplastic syndrome; Tumor predisposition; Neoplastic Syndromes, Hereditary; Hereditary Cancer Syndrome. Identifiers: Orphanet 140162, MedGen C0027672, MeSH D009386, MONDO:0015356.

Allele frequency attached by ClinVar (database versions not stated): gnomAD exomes below 0.00001; gnomAD 0.00001.
gnomAD v4.1: 3 of 1,613,264 alleles (0.00019%); highest among the groups gnomAD compares: Non-Finnish European, 0.00025%; no homozygotes.

Submissions (2):

Ambry Genetics
Classification: Uncertain significance for Hereditary cancer-predisposing syndrome. Last evaluated: 2024-04-17. Review status: criteria provided, single submitter. Criteria: Ambry Variant Classification Scheme 2023. Collection method: clinical testing. Allele origin: germline.
Comment: The p.Q499R variant (also known as c.1496A>G), located in coding exon 10 of the BRIP1 gene, results from an A to G substitution at nucleotide position 1496. The glutamine at codon 499 is replaced by arginine, an amino acid with highly similar properties. This amino acid position is not well conserved in available vertebrate species. In addition, this alteration is predicted to be tolerated by in silico analysis. Based on the available evidence, the clinical significance of this variant remains unclear.

Labcorp Genetics (formerly Invitae), Labcorp
Classification: Uncertain significance for Familial cancer of breast; Fanconi anemia complementation group J. Last evaluated: 2022-10-26. Review status: criteria provided, single submitter. Criteria: Invitae Variant Classification Sherloc (09022015). Collection method: clinical testing. Allele origin: germline.
Comment: This variant has not been reported in the literature in individuals affected with BRIP1-related conditions. This variant is not present in population databases (gnomAD no frequency). This sequence change replaces glutamine, which is neutral and polar, with arginine, which is basic and polar, at codon 499 of the BRIP1 protein (p.Gln499Arg). Advanced modeling of protein sequence and biophysical properties (such as structural, functional, and spatial information, amino acid conservation, physicochemical variation, residue mobility, and thermodynamic stability) performed at Invitae indicates that this missense variant is not expected to disrupt BRIP1 protein function. In summary, the available evidence is currently insufficient to determine the role of this variant in disease. Therefore, it has been classified as a Variant of Uncertain Significance.

NM_032043.3(BRIP1):c.1496A>G (p.Gln499Arg)

Gene: BRIP1 (BRCA1 interacting DNA helicase 1; minus strand). Cytogenetic location: 17q23.2.
Variant type: single nucleotide variant.
Coding change: c.1496A>G on transcript NM_032043.3 (MANE Select); coding-DNA position 1496, A replaced by G.
Protein change: p.Gln499Arg; replaces glutamine 499 with arginine.
Molecular consequence: missense variant.
Genome position (GRCh38, 1-based): chr17:61,784,402, T>C on the plus strand (A>G on the coding strand, the complement: BRIP1 is on the minus strand). VCF-style: chr17-61784402-T-C. GRCh37 (hg19) VCF-style: chr17-59861763-T-C.
Other names: short protein forms Q499R.
Identifiers: ClinVar variation 1720565 (VCV001720565.6), dbSNP rs2077672184, ClinGen allele CA400481432.